The following is an entry in ClinVar:

NM_001458.5(FLNC):c.2655G>A (p.Gly885=)

Gene: FLNC (filamin C; plus strand). Cytogenetic location: 7q32.1.
Variant type: single nucleotide variant.
Coding change: c.2655G>A on transcript NM_001458.5 (MANE Select); coding-DNA position 2655, G replaced by A.
Protein change: p.Gly885=; no amino-acid change (glycine 885 retained).
Molecular consequence: synonymous variant.
Genome position (GRCh38, 1-based): chr7:128,843,421, G>A. VCF-style: chr7-128843421-G-A. GRCh37 (hg19) VCF-style: chr7-128483475-G-A.
Other names: c.2655G>A (NM_001458.4); c.2655G>A, p.Gly885= (NM_001127487.2).
Identifiers: ClinVar variation 1556144 (VCV001556144.11), dbSNP rs1034531656, ClinGen allele CA166176516.

ClinVar aggregate classification (germline): Likely benign. Review status: criteria provided, multiple submitters, no conflicts (2 of 4 stars). 3 submissions from 3 submitters: Likely benign (3). Last evaluated 2026-09-20.

Conditions:
FLNC-related disorder. Also called: FLNC-related condition; FLNC-related disorders.
Hypertrophic cardiomyopathy 26. Also called: Cardiomyopathy, familial hypertrophic, 26. Identifiers: Orphanet 75249, MedGen C4310749, MONDO:0014883, OMIM 617047.
Distal myopathy with posterior leg and anterior hand involvement. Also called: WILLIAMS DISTAL MYOPATHY. Identifiers: Orphanet 63273, MedGen C3279722, MONDO:0013550, OMIM 614065.
Myofibrillar myopathy 5. Also called: Filaminopathy (type); FILAMINOPATHY, AUTOSOMAL DOMINANT. Identifiers: Orphanet 171445, MedGen C1836050, MONDO:0012289, OMIM 609524.
Cardiovascular phenotype. Identifiers: MedGen CN230736.

Allele frequency attached by ClinVar (database versions not stated): TOPMed below 0.00001; gnomAD 0.00001; gnomAD exomes 0.00001.
gnomAD v4.1: 7 of 1,613,840 alleles (0.00043%); highest among the groups gnomAD compares: Non-Finnish European, 0.00059%; no homozygotes.

Submissions (3):

PreventionGenetics, part of Exact Sciences
Classification: Likely benign for FLNC-related condition. Last evaluated: 2026-09-20. Review status: criteria provided, single submitter. Criteria: ACMG Guidelines, 2015. Collection method: clinical testing. Allele origin: germline.
Comment: This variant is classified as likely benign based on ACMG/AMP sequence variant interpretation guidelines (Richards et al. 2015 PMID: 25741868, with internal and published modifications).

Labcorp Genetics (formerly Invitae), Labcorp
Classification: Likely benign for Distal myopathy with posterior leg and anterior hand involvement; Myofibrillar myopathy 5; Hypertrophic cardiomyopathy 26. Last evaluated: 2025-04-17. Review status: criteria provided, single submitter. Criteria: Invitae Variant Classification Sherloc (09022015). Collection method: clinical testing. Allele origin: germline.

Ambry Genetics
Classification: Likely benign for Cardiovascular phenotype. Last evaluated: 2025-04-14. Review status: criteria provided, single submitter. Criteria: Ambry Variant Classification Scheme 2023. Collection method: clinical testing. Allele origin: germline.